The following is an entry in ClinVar:

NM_002485.5(NBN):c.38-10T>A

Gene: NBN (nibrin; minus strand). Cytogenetic location: 8q21.3.
Variant type: single nucleotide variant.
Coding change: c.38-10T>A on transcript NM_002485.5 (MANE Select); 10 bases into the intron before coding-DNA position 38, T replaced by A.
Molecular consequence: intron variant.
Genome position (GRCh38, 1-based): chr8:89,982,865, A>T on the plus strand (T>A on the coding strand, the complement: NBN is on the minus strand). VCF-style: chr8-89982865-A-T. GRCh37 (hg19) VCF-style: chr8-90995093-A-T.
Other names: c.-259-10T>A (NM_001024688.3).
Identifiers: ClinVar variation 138425 (VCV000138425.41), dbSNP rs556807466, ClinGen allele CA292412.
Genomic context (GRCh38, chr8:89,982,865, plus strand): 5'-TTTTCCTTCCAACAACGTACTCAACGCCAGTCAAAAGTCTGTATGGTTCTCCTGAGATAA[A>T]TTTTTTTTTAAAAAAAGATAAGTTGATAGACACATACACATGTACACGAACACACACATA-3'

ClinVar aggregate classification (germline): Conflicting classifications of pathogenicity. Review status: criteria provided, conflicting classifications (1 of 4 stars). 11 submissions from 11 submitters: Uncertain significance (1); Likely benign (9). 1 of the submissions does not count toward it. Last evaluated 2026-01-26.

Conditions:
Hereditary cancer. Identifiers: MedGen C1333600.
Hereditary cancer-predisposing syndrome. Also called: Tumor predisposition; Hereditary neoplastic syndrome; Neoplastic Syndromes, Hereditary; Hereditary Cancer Syndrome. Identifiers: Orphanet 140162, MedGen C0027672, MeSH D009386, MONDO:0015356.
Hereditary breast ovarian cancer syndrome. Also called: Hereditary breast and ovarian cancer; BRCA1- and BRCA2-Associated Hereditary Breast and Ovarian Cancer; Hereditary breast and/or ovarian cancer syndrome; Hereditary breast and ovarian cancer syndrome; Hereditary breast and ovarian cancer syndrome (HBOC); Breast and ovarian cancer. Identifiers: Orphanet 145, MedGen C0677776, MeSH D061325, MONDO:0003582. Disease mechanism: loss of function.
Microcephaly, normal intelligence and immunodeficiency (NBS). Also called: Nijmegen breakage syndrome; Microcephaly with normal intelligence immunodeficiency and lymphoreticular malignancies; Nonsyndromal microcephaly autosomal recessive with normal intelligence; Seemanova syndrome 2; SEEMANOVA SYNDROME II; Immunodeficiency, microcephaly with normal intelligence. Identifiers: Orphanet 647, MedGen C0398791, MONDO:0009623, OMIM 251260.

Allele frequency attached by ClinVar (database versions not stated): ExAC 0.00012; gnomAD exomes 0.00012; TOPMed 0.00012; gnomAD 0.00015; 1000 Genomes Project 30x 0.00016; 1000 Genomes Project 0.00020.
gnomAD v4.1: 197 of 1,610,294 alleles (0.012%); highest among the groups gnomAD compares: Middle Eastern, 0.017%; 1 homozygote.

Submissions (11):

Labcorp Genetics (formerly Invitae), Labcorp
Classification: Likely benign for Microcephaly, normal intelligence and immunodeficiency. Last evaluated: 2026-01-26. Review status: criteria provided, single submitter. Criteria: Invitae Variant Classification Sherloc (09022015). Collection method: clinical testing. Allele origin: germline.

Mendelics
Classification: Likely benign for Hereditary cancer. Last evaluated: 2025-02-27. Review status: criteria provided, single submitter. Criteria: ACMG Guidelines, 2015. Collection method: clinical testing. Allele origin: unknown.
Comment: This variant is considered likely benign or benign based on one or more of the following: it is predicted to be benign by multiple in silico algorithms, and/or has population frequency not consistent with disease, and/or has normal protein function, and/or has lack of segregation with disease, and/or has been detected in co-occurrence with known pathogenic variant, and/or has lack of disease association in case-control studies, and/or is located in a region inconsistent with a known cause of pathogenicity.

Blueprint Genetics
Classification: Likely benign. Last evaluated: 2024-11-22. Review status: criteria provided, single submitter. Criteria: ACMG Guidelines, 2015. Collection method: clinical testing. Allele origin: germline.

National Health Laboratory Service, Universitas Academic Hospital and University of the Free State
Classification: Likely benign for Hereditary breast ovarian cancer syndrome. Last evaluated: 2022-04-19. Review status: criteria provided, single submitter. Criteria: ACMG Guidelines, 2015. Collection method: clinical testing. Allele origin: germline. Affected: yes. Observed: 1 variant allele.

Quest Diagnostics Nichols Institute San Juan Capistrano
Classification: Likely benign. Last evaluated: 2022-02-11. Review status: criteria provided, single submitter. Criteria: Quest Diagnostics criteria. Collection method: clinical testing. Allele origin: unknown.

Genome-Nilou Lab
Classification: Likely benign for Microcephaly, normal intelligence and immunodeficiency. Last evaluated: 2021-11-07. Review status: criteria provided, single submitter. Criteria: ACMG Guidelines, 2015. Collection method: clinical testing. Allele origin: germline. Affected: no.

Sema4
Classification: Likely benign for Hereditary cancer-predisposing syndrome. Last evaluated: 2021-03-08. Review status: criteria provided, single submitter. Criteria: Sema4 Curation Guidelines. Collection method: curation. Allele origin: germline.

GeneDx
Classification: Likely benign. Last evaluated: 2020-07-14. Review status: criteria provided, single submitter. Criteria: GeneDx Variant Classification Process June 2021. Collection method: clinical testing. Allele origin: germline. Affected: yes.
Comment: This variant is associated with the following publications: (PMID: 24549055, 26315354)

Eurofins Ntd Llc (ga)
Classification: Uncertain significance. Last evaluated: 2018-06-21. Review status: criteria provided, single submitter. Criteria: EGL ClinVar v180209 classification definitions. Collection method: clinical testing. Allele origin: germline. Observed: 1 variant allele, 1 heterozygote.

Vantari Genetics
Classification: Likely benign for Hereditary cancer-predisposing syndrome. Last evaluated: 2015-11-17. Review status: criteria provided, single submitter. Criteria: ACMG Guidelines, 2015. Collection method: clinical testing. Allele origin: germline.

Counsyl
Classification: Uncertain significance for Microcephaly, normal intelligence and immunodeficiency. Last evaluated: 2017-03-28. Review status: no assertion criteria provided. Collection method: clinical testing. Allele origin: unknown. Not counted in ClinVar's aggregate classification.

Literature cited by the submitters: PubMed 24549055 (cited by Sema4 and Counsyl); PubMed 26315354 (cited by Counsyl).